The following is an entry in ClinVar:

ClinVar aggregate classification (germline): Uncertain significance (1 of 4 stars; one submission).

gnomAD v4.1: 10 of 1,613,910 alleles (0.00062%); highest among the groups gnomAD compares: Non-Finnish European, 0.00085%; no homozygotes.

Submission:

Ambry Genetics
Classification: Uncertain significance. Last evaluated: 2025-11-18. Review status: criteria provided, single submitter. Criteria: Ambry Variant Classification Scheme 2023. Collection method: clinical testing. Allele origin: germline.
Comment: The p.G99D variant (also known as c.296G>A), located in coding exon 4 of the PKP4 gene, results from a G to A substitution at nucleotide position 296. The glycine at codon 99 is replaced by aspartic acid, an amino acid with similar properties. This amino acid position is conserved. In addition, this alteration is predicted to be tolerated by in silico analysis. Based on the available evidence, the clinical significance of this variant remains unclear.

NM_003628.6(PKP4):c.296G>A (p.Gly99Asp)

Gene: PKP4 (plakophilin 4; plus strand). Cytogenetic location: 2q24.1.
Variant type: single nucleotide variant.
Coding change: c.296G>A on transcript NM_003628.6 (MANE Select); coding-DNA position 296, G replaced by A.
Protein change: p.Gly99Asp; replaces glycine 99 with aspartic acid.
Molecular consequence: missense variant. On other transcripts: 5 prime UTR variant (1).
Genome position (GRCh38, 1-based): chr2:158,621,005, G>A. VCF-style: chr2-158621005-G-A. GRCh37 (hg19) VCF-style: chr2-159477517-G-A.
Other names: c.296G>A, p.Gly99Asp (NM_001005476.4, NM_001304969.3, NM_001304971.2 and 9 more transcripts); c.-654G>A (NM_001304970.3); short protein forms G99D.
Identifiers: ClinVar variation 4138171 (VCV004138171.2).